The following is an entry in ClinVar:

ClinVar aggregate classification (germline): Pathogenic (0 of 4 stars; one submission).

Conditions:
Neurodevelopmental disorder with speech impairment and with or without seizures. Also called: Neurodevelopmental disorder with variable intellectual disability and speech impairment, with or without seizures. Identifiers: MedGen C5774252, MONDO:0859313, OMIM 620114.

Submission:

Department of Biotechnology and Genetic Engineering, Kohat University of Science and Technology
Classification: Pathogenic for Neurodevelopmental disorder with speech impairment and with or without seizures. Last evaluated: 2024-02-02. Review status: no assertion criteria provided. Collection method: research. Allele origin: de novo. Inheritance: Autosomal dominant inheritance. Affected: yes. Observed: 1 heterozygote.
Comment: The NM_021096.4: c.3492-2_3494del is a novel de novo splice acceptor variant in CACNA1I, predicted to result in a disrupted protein product (PVS1). Sanger sequencing validated the de novo status of the variant within the affected family. The variant was classified as likely pathogenic by multiple in silico prediction tools, including Varsome, Franklin, and ClinVar. Additionally, ACMG criteria (PMID:25741868), gnomAD frequency, and REVEL score support its pathogenicity (PM2). The variant has been previously reported as a causative variant for epilepsy and associated NDDs. In summary, this variant meets the criteria to be classified as likely pathogenic for epilepsy-associated NDDs, based on the ACMG/AMP criteria applied: PVS1, PM2, PP1.

NM_021096.4(CACNA1I):c.3474-2_3476del

Gene: CACNA1I (calcium voltage-gated channel subunit alpha1 I; plus strand). Cytogenetic location: 22q13.1.
Variant type: Deletion.
Coding change: c.3474-2_3476del on transcript NM_021096.4 (MANE Select); the canonical splice acceptor site of the intron before coding-DNA position 3474 through coding-DNA position 3476, 5 bases deleted (AGGTT; older notation c.3474-2_3476delAGGTT).
Molecular consequence: splice acceptor variant.
Genome position (GRCh38, 1-based): chr22:39,663,716-39,663,720, AGGTT deleted. VCF-style (leftmost placement, unchanged base first): chr22-39663715-CAGGTT-C. GRCh37 (hg19) VCF-style: chr22-40059720-CAGGTT-C.
Other names: c.3369-2_3371del (NM_001003406.2).
Identifiers: ClinVar variation 3764750 (VCV003764750.2).